The following is an entry in ClinVar:

ClinVar aggregate classification (germline): Uncertain significance. Review status: criteria provided, multiple submitters, no conflicts (2 of 4 stars). 2 submissions from 2 submitters: Uncertain significance (2). Last evaluated 2025-08-17.

Conditions:
Legius syndrome. Identifiers: Orphanet 137605, MedGen C1969623, MONDO:0012669, OMIM 611431. Disease mechanism: loss of function.
Cardiovascular phenotype. Identifiers: MedGen CN230736.

Submissions (2):

Labcorp Genetics (formerly Invitae), Labcorp
Classification: Uncertain significance for Legius syndrome. Last evaluated: 2025-08-17. Review status: criteria provided, single submitter. Criteria: Invitae Variant Classification Sherloc (09022015). Collection method: clinical testing. Allele origin: germline.
Comment: This sequence change replaces aspartic acid, which is acidic and polar, with tyrosine, which is neutral and polar, at codon 398 of the SPRED1 protein (p.Asp398Tyr). This variant is not present in population databases (gnomAD no frequency). This variant has not been reported in the literature in individuals affected with SPRED1-related conditions. ClinVar contains an entry for this variant (Variation ID: 2265748). Invitae Evidence Modeling of protein sequence and biophysical properties (such as structural, functional, and spatial information, amino acid conservation, physicochemical variation, residue mobility, and thermodynamic stability) indicates that this missense variant is not expected to disrupt SPRED1 protein function with a negative predictive value of 80%. In summary, the available evidence is currently insufficient to determine the role of this variant in disease. Therefore, it has been classified as a Variant of Uncertain Significance.

Ambry Genetics
Classification: Uncertain significance for Cardiovascular phenotype. Last evaluated: 2025-01-10. Review status: criteria provided, single submitter. Criteria: Ambry Variant Classification Scheme 2023. Collection method: clinical testing. Allele origin: germline.
Comment: The p.D398Y variant (also known as c.1192G>T), located in coding exon 7 of the SPRED1 gene, results from a G to T substitution at nucleotide position 1192. The aspartic acid at codon 398 is replaced by tyrosine, an amino acid with highly dissimilar properties. This amino acid position is conserved. In addition, the in silico prediction for this alteration is inconclusive. Based on the available evidence, the clinical significance of this variant remains unclear.

NM_152594.3(SPRED1):c.1192G>T (p.Asp398Tyr)

Gene: SPRED1 (sprouty related EVH1 domain containing 1; plus strand). Cytogenetic location: 15q14.
Variant type: single nucleotide variant.
Coding change: c.1192G>T on transcript NM_152594.3 (MANE Select); coding-DNA position 1192, G replaced by T.
Protein change: p.Asp398Tyr; replaces aspartic acid 398 with tyrosine.
Molecular consequence: missense variant.
Genome position (GRCh38, 1-based): chr15:38,351,521, G>T. VCF-style: chr15-38351521-G-T. GRCh37 (hg19) VCF-style: chr15-38643722-G-T.
Other names: short protein forms D398Y.
Identifiers: ClinVar variation 2265748 (VCV002265748.4), dbSNP rs771480941, ClinGen allele CA391934495.